The following is an entry in ClinVar:

ClinVar aggregate classification (germline): Uncertain significance. Review status: criteria provided, multiple submitters, no conflicts (2 of 4 stars). 2 submissions from 2 submitters: Uncertain significance (2). Last evaluated 2025-05-16.

Conditions:
Inborn genetic diseases. Identifiers: MedGen C0950123, MeSH D030342.

Allele frequency attached by ClinVar (database versions not stated): gnomAD exomes below 0.00001 and 0.00001; TOPMed below 0.00001; ExAC 0.00001; gnomAD 0.00001.
gnomAD v4.1: 3 of 1,614,020 alleles (0.00019%); highest among the groups gnomAD compares: Admixed American, 0.005%; no homozygotes.

Submissions (2):

Ambry Genetics
Classification: Uncertain significance for Inborn genetic diseases. Last evaluated: 2025-05-16. Review status: criteria provided, single submitter. Criteria: Ambry Variant Classification Scheme 2023. Collection method: clinical testing. Allele origin: germline.

Labcorp Genetics (formerly Invitae), Labcorp
Classification: Uncertain significance. Last evaluated: 2024-11-19. Review status: criteria provided, single submitter. Criteria: Invitae Variant Classification Sherloc (09022015). Collection method: clinical testing. Allele origin: germline.
Comment: This sequence change replaces glutamic acid, which is acidic and polar, with glutamine, which is neutral and polar, at codon 1060 of the SCN3A protein (p.Glu1060Gln). This variant is present in population databases (rs751094000, gnomAD 0.009%). This variant has not been reported in the literature in individuals affected with SCN3A-related conditions. ClinVar contains an entry for this variant (Variation ID: 999294). Invitae Evidence Modeling of protein sequence and biophysical properties (such as structural, functional, and spatial information, amino acid conservation, physicochemical variation, residue mobility, and thermodynamic stability) indicates that this missense variant is not expected to disrupt SCN3A protein function with a negative predictive value of 95%. In summary, the available evidence is currently insufficient to determine the role of this variant in disease. Therefore, it has been classified as a Variant of Uncertain Significance.

NM_006922.4(SCN3A):c.3178G>C (p.Glu1060Gln)

Gene: SCN3A (sodium voltage-gated channel alpha subunit 3; minus strand). Cytogenetic location: 2q24.3.
Variant type: single nucleotide variant.
Coding change: c.3178G>C on transcript NM_006922.4 (MANE Select); coding-DNA position 3178, G replaced by C.
Protein change: p.Glu1060Gln; replaces glutamic acid 1060 with glutamine.
Molecular consequence: missense variant.
Genome position (GRCh38, 1-based): chr2:165,127,846, C>G on the plus strand (G>C on the coding strand, the complement: SCN3A is on the minus strand). VCF-style: chr2-165127846-C-G. GRCh37 (hg19) VCF-style: chr2-165984356-C-G.
Other names: c.3178G>C (NM_006922.3); c.3031G>C, p.Glu1011Gln (NM_001081676.2, NM_001081677.2); short protein forms E1011Q, E1060Q.
Identifiers: ClinVar variation 999294 (VCV000999294.11), dbSNP rs751094000, ClinGen allele CA1938842.